The following is an entry in ClinVar:

NM_006096.4(NDRG1):c.389G>A (p.Gly130Glu)

Gene: NDRG1 (N-myc downstream regulated 1; minus strand). Cytogenetic location: 8q24.22.
Variant type: single nucleotide variant.
Coding change: c.389G>A on transcript NM_006096.4 (MANE Select); coding-DNA position 389, G replaced by A.
Protein change: p.Gly130Glu; replaces glycine 130 with glutamic acid.
Molecular consequence: missense variant.
Genome position (GRCh38, 1-based): chr8:133,259,168, C>T on the plus strand (G>A on the coding strand, the complement: NDRG1 is on the minus strand). VCF-style: chr8-133259168-C-T. GRCh37 (hg19) VCF-style: chr8-134271411-C-T.
Other names: c.389G>A, p.Gly130Glu (NM_001135242.2, NM_001374844.1, NM_001374845.1 and 1 more transcripts); c.191G>A, p.Gly64Glu (NM_001258432.2, NM_001374847.1); c.146G>A, p.Gly49Glu (NM_001258433.2); short protein forms G49E, G64E, G130E.
Identifiers: ClinVar variation 1373095 (VCV001373095.3), dbSNP rs759258704, ClinGen allele CA4886783.

ClinVar aggregate classification (germline): Uncertain significance (1 of 4 stars; one submission).

Conditions:
Charcot-Marie-Tooth disease type 4. Also called: Charcot-Marie-Tooth disease, type IV; Charcot-Marie-Tooth, Type 4. Identifiers: Orphanet 64749, MedGen C4082197, MONDO:0018995.

Allele frequency attached by ClinVar (database versions not stated): gnomAD exomes below 0.00001; ExAC 0.00001.
gnomAD v4.1: 1 of 1,614,056 alleles (0.000062%); highest among the groups gnomAD compares: Non-Finnish European, 0.000085%; no homozygotes.

Submission:

Labcorp Genetics (formerly Invitae), Labcorp
Classification: Uncertain significance for Charcot-Marie-Tooth disease type 4. Last evaluated: 2022-03-19. Review status: criteria provided, single submitter. Criteria: Invitae Variant Classification Sherloc (09022015). Collection method: clinical testing. Allele origin: germline.
Comment: This sequence change replaces glycine, which is neutral and non-polar, with glutamic acid, which is acidic and polar, at codon 130 of the NDRG1 protein (p.Gly130Glu). This variant also falls at the last nucleotide of exon 6, which is part of the consensus splice site for this exon. This variant is present in population databases (rs759258704, gnomAD 0.0009%). This variant has not been reported in the literature in individuals affected with NDRG1-related conditions. Algorithms developed to predict the effect of missense changes on protein structure and function are either unavailable or do not agree on the potential impact of this missense change (SIFT: "Tolerated"; PolyPhen-2: "Probably Damaging"; Align-GVGD: "Class C0"). Variants that disrupt the consensus splice site are a relatively common cause of aberrant splicing (PMID: 17576681, 9536098). Algorithms developed to predict the effect of sequence changes on RNA splicing suggest that this variant may create or strengthen a splice site. In summary, the available evidence is currently insufficient to determine the role of this variant in disease. Therefore, it has been classified as a Variant of Uncertain Significance.

Literature cited by the submitters: PubMed 17576681; PubMed 9536098.